The following is an entry in ClinVar:

NM_000458.4(HNF1B):c.1668C>A (p.Ala556=)

Gene: HNF1B (HNF1 homeobox B; minus strand). Cytogenetic location: 17q12.
Variant type: single nucleotide variant.
Coding change: c.1668C>A on transcript NM_000458.4 (MANE Select); coding-DNA position 1668, C replaced by A.
Protein change: p.Ala556=; no amino-acid change (alanine 556 retained).
Molecular consequence: synonymous variant. On other transcripts: missense variant (1).
Genome position (GRCh38, 1-based): chr17:37,687,378, G>T on the plus strand (C>A on the coding strand, the complement: HNF1B is on the minus strand). VCF-style: chr17-37687378-G-T. GRCh37 (hg19) VCF-style: chr17-36047381-G-T.
Other names: c.1590C>A, p.Ala530= (NM_001165923.4); c.1276C>A, p.Leu426Met (NM_001304286.2); c.1276C>A (NM_001304286.1); c.1668C>A (NM_000458.2); short protein forms L426M.
Identifiers: ClinVar variation 499805 (VCV000499805.20), dbSNP rs144354798, ClinGen allele CA8518761.

ClinVar aggregate classification (germline): Conflicting classifications of pathogenicity. Review status: criteria provided, conflicting classifications (1 of 4 stars). 6 submissions from 6 submitters: Uncertain significance (1); Likely benign (4). 1 of the submissions does not count toward it. Last evaluated 2026-03-23.

Conditions:
HNF1B-related disorder. Also called: HNF1B-related disorders; HNF1B-related condition.
Maturity-onset diabetes of the young (MODY). Also called: Maturity onset diabetes mellitus in young. Identifiers: Orphanet 552, MedGen C0342276, MONDO:0018911, HP:0004904.

Allele frequency attached by ClinVar (database versions not stated): gnomAD exomes 0.00001 and 0.00002; ExAC 0.00002; TOPMed 0.00012; ESP Exome Variant Server 0.00015; gnomAD 0.00016 and 0.00019.
gnomAD v4.1: 47 of 1,613,626 alleles (0.0029%); highest among the groups gnomAD compares: African/African-American, 0.061%; no homozygotes.

Submissions (6):

Women's Health and Genetics/Laboratory Corporation of America, LabCorp
Classification: Likely benign. Last evaluated: 2026-03-23. Review status: criteria provided, single submitter. Criteria: LabCorp Variant Classification Summary - May 2015. Collection method: clinical testing. Allele origin: germline.

Labcorp Genetics (formerly Invitae), Labcorp
Classification: Likely benign. Last evaluated: 2026-01-27. Review status: criteria provided, single submitter. Criteria: Invitae Variant Classification Sherloc (09022015). Collection method: clinical testing. Allele origin: germline.

Ambry Genetics
Classification: Likely benign for Maturity-onset diabetes of the young. Last evaluated: 2024-01-05. Review status: criteria provided, single submitter. Criteria: Ambry Variant Classification Scheme 2023. Collection method: clinical testing. Allele origin: germline.

Eurofins Ntd Llc (ga)
Classification: Uncertain significance. Last evaluated: 2018-05-17. Review status: criteria provided, single submitter. Criteria: EGL ClinVar v180209 classification definitions. Collection method: clinical testing. Allele origin: germline. Observed: 3 variant alleles, 3 heterozygotes.

Clinical Genomics, Uppaluri K&H Personalized Medicine Clinic
Classification: Likely benign for Maturity-onset diabetes of the young. Review status: criteria provided, single submitter. Criteria: K & H Uppaluri Personalized Medicine Clinic Variant Classification & Assertion Criteria_Updated V.1. Collection method: research. Allele origin: unknown. Inheritance: Autosomal dominant inheritance.
Comment: HNF1B gene mutations are associated with early onset diabetes and pancreatic atrophy. It is also associated with multiple renal manifestations including renal cysts, Tubulointerstitial disease, glomerulocystic disease, renal hypoplasia, hypomagnesemia. However no sufficient evidence is found to ascertain the role of this particular variant rs144354798, yet.

PreventionGenetics, part of Exact Sciences
Classification: Likely benign for HNF1B-related condition. Last evaluated: 2024-01-08. Review status: no assertion criteria provided. Collection method: clinical testing. Allele origin: germline. Not counted in ClinVar's aggregate classification.
Comment: This variant is classified as likely benign based on ACMG/AMP sequence variant interpretation guidelines (Richards et al. 2015 PMID: 25741868, with internal and published modifications).

Literature cited by the submitters: PubMed 24897035 (cited by Clinical Genomics, Uppaluri K&H Personalized Medicine Clinic); PubMed 25536396 (cited by Clinical Genomics, Uppaluri K&H Personalized Medicine Clinic); PubMed 27615128 (cited by Clinical Genomics, Uppaluri K&H Personalized Medicine Clinic); PubMed 28215227 (cited by Clinical Genomics, Uppaluri K&H Personalized Medicine Clinic); PubMed 33434175 (cited by Clinical Genomics, Uppaluri K&H Personalized Medicine Clinic); PubMed 25741167 (cited by Clinical Genomics, Uppaluri K&H Personalized Medicine Clinic); PubMed 26340261 (cited by Clinical Genomics, Uppaluri K&H Personalized Medicine Clinic); PubMed 19639018 (cited by Clinical Genomics, Uppaluri K&H Personalized Medicine Clinic).